The following is an entry in ClinVar:

ClinVar aggregate classification (germline): Uncertain significance (1 of 4 stars; one submission).

Conditions:
Emery-Dreifuss muscular dystrophy 5, autosomal dominant (EDMD5). Also called: EMERY-DREIFUSS MUSCULAR DYSTROPHY 5. Identifiers: Orphanet 261, MedGen C2751805, MONDO:0013072, OMIM 612999.

Allele frequency attached by ClinVar (database versions not stated): gnomAD exomes 0.00001 and 0.00002; ExAC 0.00002.
gnomAD v4.1: 6 of 1,614,114 alleles (0.00037%); highest among the groups gnomAD compares: Admixed American, 0.0033%; no homozygotes.

Submission:

Labcorp Genetics (formerly Invitae), Labcorp
Classification: Uncertain significance for Emery-Dreifuss muscular dystrophy 5, autosomal dominant. Last evaluated: 2025-11-08. Review status: criteria provided, single submitter. Criteria: Invitae Variant Classification Sherloc (09022015). Collection method: clinical testing. Allele origin: germline.
Comment: This sequence change replaces cysteine, which is neutral and slightly polar, with arginine, which is basic and polar, at codon 5815 of the SYNE2 protein (p.Cys5815Arg). This variant is present in population databases (rs765907856, gnomAD 0.01%). This variant has not been reported in the literature in individuals affected with SYNE2-related conditions. ClinVar contains an entry for this variant (Variation ID: 963652). An algorithm developed to predict the effect of missense changes on protein structure and function (PolyPhen-2) suggests that this variant is likely to be disruptive. In summary, the available evidence is currently insufficient to determine the role of this variant in disease. Therefore, it has been classified as a Variant of Uncertain Significance.

NM_182914.3(SYNE2):c.17443T>C (p.Cys5815Arg)

Gene: SYNE2 (spectrin repeat containing nuclear envelope protein 2; plus strand). Cytogenetic location: 14q23.2.
Variant type: single nucleotide variant.
Coding change: c.17443T>C on transcript NM_182914.3 (MANE Select); coding-DNA position 17443, T replaced by C.
Protein change: p.Cys5815Arg; replaces cysteine 5815 with arginine.
Molecular consequence: missense variant.
Genome position (GRCh38, 1-based): chr14:64,177,370, T>C. VCF-style: chr14-64177370-T-C. GRCh37 (hg19) VCF-style: chr14-64644088-T-C.
Other names: c.17443T>C, p.Cys5815Arg (NM_015180.6); short protein forms C5815R.
Identifiers: ClinVar variation 963652 (VCV000963652.9), dbSNP rs765907856, ClinGen allele CA7223711.